The following is an entry in ClinVar:

ClinVar aggregate classification (germline): Likely benign. Review status: criteria provided, single submitter (1 of 4 stars). 2 submissions from 2 submitters: Likely benign (1). 1 of the submissions does not count toward it. Last evaluated 2023-08-23.

Conditions:
NSD2-related disorder. Also called: NSD2 related disorders; NSD2-related condition.

Submissions (2):

Labcorp Genetics (formerly Invitae), Labcorp
Classification: Likely benign. Last evaluated: 2023-08-23. Review status: criteria provided, single submitter. Criteria: Invitae Variant Classification Sherloc (09022015). Collection method: clinical testing. Allele origin: germline.

PreventionGenetics, part of Exact Sciences
Classification: Likely benign for NSD2-related condition. Last evaluated: 2019-09-19. Review status: no assertion criteria provided. Collection method: clinical testing. Allele origin: germline. Not counted in ClinVar's aggregate classification.
Comment: This variant is classified as likely benign based on ACMG/AMP sequence variant interpretation guidelines (Richards et al. 2015 PMID: 25741868, with internal and published modifications).

NM_001042424.3(NSD2):c.1675-24_1675-10del

Gene: NSD2 (nuclear receptor binding SET domain protein 2; plus strand). Cytogenetic location: 4p16.3.
Variant type: Deletion.
Coding change: c.1675-24_1675-10del on transcript NM_001042424.3 (MANE Select); 24 bases into the intron before coding-DNA position 1675 through 10 bases into the intron before coding-DNA position 1675, 15 bases deleted (TTTTTTTTTTTTTTT).
Molecular consequence: intron variant.
Genome position (GRCh38, 1-based): chr4:1,938,427-1,938,441, TTTTTTTTTTTTTTT deleted; deleting any 15 consecutive bases within chr4:1,938,417-1,938,441 gives the same sequence; the c. name uses the placement nearest the transcript's 3' end. VCF-style (leftmost placement, unchanged base first): chr4-1938416-CTTTTTTTTTTTTTTT-C. GRCh37 (hg19) VCF-style: chr4-1940143-CTTTTTTTTTTTTTTT-C.
Other names: c.1675-24_1675-10del (NM_001440892.1, NM_001440894.1, NM_001440895.1 and 6 more transcripts); c.1774-24_1774-10del (NM_001440893.1); c.706-24_706-10del (NM_001440900.1, NM_001440899.1); c.1674+3165_1674+3179del (NM_001440897.1, NM_001440898.1).
Identifiers: ClinVar variation 1911988 (VCV001911988.7), dbSNP rs746279426, ClinGen allele CA792739679.